The following is an entry in ClinVar:

NM_005120.3(MED12):c.5252C>A (p.Pro1751Gln)

Gene: MED12 (mediator complex subunit 12; plus strand). Cytogenetic location: Xq13.1.
Variant type: single nucleotide variant.
Coding change: c.5252C>A on transcript NM_005120.3 (MANE Select); coding-DNA position 5252, C replaced by A.
Protein change: p.Pro1751Gln; replaces proline 1751 with glutamine.
Molecular consequence: missense variant.
Genome position (GRCh38, 1-based): chrX:71,136,507, C>A. VCF-style: chrX-71136507-C-A. GRCh37 (hg19) VCF-style: chrX-70356357-C-A.
Other names: c.5252C>A (NM_005120.2); short protein forms P1751Q.
Identifiers: ClinVar variation 1024396 (VCV001024396.10), dbSNP rs748064846, ClinGen allele CA10444760.

ClinVar aggregate classification (germline): Uncertain significance. Review status: criteria provided, multiple submitters, no conflicts (2 of 4 stars). 2 submissions from 2 submitters: Uncertain significance (2). Last evaluated 2026-01-27.

Conditions:
FG syndrome (FGS). Identifiers: MedGen C0220769, MONDO:0002010.
Familial thoracic aortic aneurysm and aortic dissection (TAAD). Also called: Thoracic aortic aneurysms and dissections. Identifiers: Orphanet 91387, MedGen C4707243, MONDO:0019625.

Allele frequency attached by ClinVar (database versions not stated): TOPMed 0.00002.
gnomAD v4.1: 4 of 1,201,096 alleles (0.00033%); highest among the groups gnomAD compares: African/African-American, 0.0018%; no homozygotes.

Submissions (2):

Labcorp Genetics (formerly Invitae), Labcorp
Classification: Uncertain significance for FG syndrome. Last evaluated: 2026-01-27. Review status: criteria provided, single submitter. Criteria: Invitae Variant Classification Sherloc (09022015). Collection method: clinical testing. Allele origin: germline.
Comment: This sequence change replaces proline, which is neutral and non-polar, with glutamine, which is neutral and polar, at codon 1751 of the MED12 protein (p.Pro1751Gln). The frequency data for this variant in the population databases is considered unreliable, as metrics indicate poor data quality at this position in the gnomAD database. This variant has not been reported in the literature in individuals affected with MED12-related conditions. ClinVar contains an entry for this variant (Variation ID: 1024396). Invitae Evidence Modeling of protein sequence and biophysical properties (such as structural, functional, and spatial information, amino acid conservation, physicochemical variation, residue mobility, and thermodynamic stability) has been performed for this missense variant. However, the output from this modeling did not meet the statistical confidence thresholds required to predict the impact of this variant on MED12 protein function. In summary, the available evidence is currently insufficient to determine the role of this variant in disease. Therefore, it has been classified as a Variant of Uncertain Significance.

Ambry Genetics
Classification: Uncertain significance for Familial thoracic aortic aneurysm and aortic dissection. Last evaluated: 2025-08-24. Review status: criteria provided, single submitter. Criteria: Ambry Variant Classification Scheme 2023. Collection method: clinical testing. Allele origin: germline.
Comment: The p.P1751Q variant (also known as c.5252C>A), located in coding exon 37 of the MED12 gene, results from a C to A substitution at nucleotide position 5252. The proline at codon 1751 is replaced by glutamine, an amino acid with similar properties. This amino acid position is conserved. In addition, this alteration is predicted to be tolerated by in silico analysis. Based on the available evidence, the clinical significance of this variant remains unclear.